The following is an entry in ClinVar:

ClinVar aggregate classification (germline): Uncertain significance. Review status: criteria provided, multiple submitters, no conflicts (2 of 4 stars). 4 submissions from 4 submitters: Uncertain significance (2). 2 of the submissions do not count toward it. Last evaluated 2025-12-16.

Conditions:
Dilated cardiomyopathy 1Z (CMD1Z). Identifiers: Orphanet 154, MedGen C2678475, MONDO:0012745, OMIM 611879.
Hypertrophic cardiomyopathy 13. Also called: TNNC1-Related Familial Hypertrophic Cardiomyopathy. Identifiers: MedGen C2750472, MONDO:0013195, OMIM 613243.
Cardiovascular phenotype. Identifiers: MedGen CN230736.

Allele frequency attached by ClinVar (database versions not stated): gnomAD 0.00001; gnomAD exomes 0.00001; TOPMed 0.00001.
gnomAD v4.1: 18 of 1,613,962 alleles (0.0011%); highest among the groups gnomAD compares: Non-Finnish European, 0.0013%; no homozygotes.

Submissions (4):

Ambry Genetics
Classification: Uncertain significance for Cardiovascular phenotype. Last evaluated: 2025-12-16. Review status: criteria provided, single submitter. Criteria: Ambry Variant Classification Scheme 2023. Collection method: clinical testing. Allele origin: germline.
Comment: The p.R83Q variant (also known as c.248G>A), located in coding exon 4 of the TNNC1 gene, results from a G to A substitution at nucleotide position 248. The arginine at codon 83 is replaced by glutamine, an amino acid with highly similar properties. This amino acid position is conserved. In addition, the in silico prediction for this alteration is inconclusive. Based on the available evidence, the clinical significance of this variant remains unclear.

Labcorp Genetics (formerly Invitae), Labcorp
Classification: Uncertain significance for Hypertrophic cardiomyopathy 13; Dilated cardiomyopathy 1Z. Last evaluated: 2024-04-04. Review status: criteria provided, single submitter. Criteria: Invitae Variant Classification Sherloc (09022015). Collection method: clinical testing. Allele origin: germline.
Comment: This sequence change replaces arginine, which is basic and polar, with glutamine, which is neutral and polar, at codon 83 of the TNNC1 protein (p.Arg83Gln). This variant is present in population databases (no rsID available, gnomAD 0.01%). This missense change has been observed in individual(s) with clinical features of TNNC1-related conditions (PMID: 29095814). ClinVar contains an entry for this variant (Variation ID: 1284827). An algorithm developed to predict the effect of missense changes on protein structure and function (PolyPhen-2) suggests that this variant is likely to be disruptive. In summary, the available evidence is currently insufficient to determine the role of this variant in disease. Therefore, it has been classified as a Variant of Uncertain Significance.

Clinical Genetics, Academic Medical Center
Classification: Uncertain significance. Review status: no assertion criteria provided. Collection method: clinical testing. Allele origin: germline. Affected: yes. Study: VKGL Data-share Consensus. Not counted in ClinVar's aggregate classification.

Diagnostic Laboratory, Department of Genetics, University Medical Center Groningen
Classification: Uncertain significance. Review status: no assertion criteria provided. Collection method: clinical testing. Allele origin: germline. Affected: yes. Study: VKGL Data-share Consensus. Not counted in ClinVar's aggregate classification.

Literature cited by the submitters: PubMed 29095814 (cited by Labcorp Genetics (formerly Invitae), Labcorp).

NM_003280.3(TNNC1):c.248G>A (p.Arg83Gln)

Gene: TNNC1 (troponin C1, slow skeletal and cardiac type; minus strand). Cytogenetic location: 3p21.1.
Variant type: single nucleotide variant.
Coding change: c.248G>A on transcript NM_003280.3 (MANE Select); coding-DNA position 248, G replaced by A.
Protein change: p.Arg83Gln; replaces arginine 83 with glutamine.
Molecular consequence: missense variant.
Genome position (GRCh38, 1-based): chr3:52,451,813, C>T on the plus strand (G>A on the coding strand, the complement: TNNC1 is on the minus strand). VCF-style: chr3-52451813-C-T. GRCh37 (hg19) VCF-style: chr3-52485829-C-T.
Other names: c.248G>A (NM_003280.2); short protein forms R83Q.
Identifiers: ClinVar variation 1284827 (VCV001284827.12), dbSNP rs1362364913, ClinGen allele CA353167376.